The following is an entry in ClinVar:

NM_130849.4(SLC39A4):c.534_546del (p.Ala179fs)

Gene: SLC39A4 (solute carrier family 39 member 4; minus strand). Cytogenetic location: 8q24.3.
Variant type: Deletion.
Coding change: c.534_546del on transcript NM_130849.4 (MANE Select); coding-DNA positions 534 to 546, 13 bases deleted (TGCTGGCGGCGTC).
Protein change: p.Ala179fs; shifts the reading frame from alanine 179.
Molecular consequence: frameshift variant.
Genome position (GRCh38, 1-based): chr8:144,415,348-144,415,360, GACGCCGCCAGCA deleted on the plus strand (TGCTGGCGGCGTC on the coding strand, the reverse complement: SLC39A4 is on the minus strand). VCF-style (leftmost placement, unchanged base first): chr8-144415347-GGACGCCGCCAGCA-G. GRCh37 (hg19) VCF-style: chr8-145640731-GGACGCCGCCAGCA-G.
Other names: c.252_264del, p.Ala85fs (NM_001374839.1); c.459_471del, p.Ala154fs (NM_017767.3); short protein forms A179fs, A85fs, A154fs.
Identifiers: ClinVar variation 1377966 (VCV001377966.6), dbSNP rs2130800933, ClinGen allele CA2573143000.

ClinVar aggregate classification (germline): Pathogenic (1 of 4 stars; one submission).

Submission:

Labcorp Genetics (formerly Invitae), Labcorp
Classification: Pathogenic. Last evaluated: 2023-12-01. Review status: criteria provided, single submitter. Criteria: Invitae Variant Classification Sherloc (09022015). Collection method: clinical testing. Allele origin: germline.
Comment: This sequence change creates a premature translational stop signal (p.Ala179Trpfs*37) in the SLC39A4 gene. It is expected to result in an absent or disrupted protein product. Loss-of-function variants in SLC39A4 are known to be pathogenic (PMID: 12955721). This variant is not present in population databases (gnomAD no frequency). This variant has not been reported in the literature in individuals affected with SLC39A4-related conditions. ClinVar contains an entry for this variant (Variation ID: 1377966). For these reasons, this variant has been classified as Pathogenic.

Literature cited by the submitters: PubMed 12955721.